The following is an entry in ClinVar:

ClinVar aggregate classification (germline): Uncertain significance (1 of 4 stars; one submission).

Submission:

Dasa
Classification: Uncertain significance. Last evaluated: 2026-03-19. Review status: criteria provided, single submitter. Criteria: DASA Assertion Criteria. Collection method: clinical testing. Allele origin: germline.
Comment: NM_001080517.3(SETD5):c.2908G>C (p.Val970Leu) is a missense variant that results in the substitution of valine with leucine. This variant is rare in population databases. The currently available literature and clinical evidence are not sufficient to establish a definitive association between this variant and the reported condition. Therefore, this variant is classified as a variant of uncertain significance.

NM_001080517.3(SETD5):c.2908G>C (p.Val970Leu)

Gene: SETD5 (SET domain containing 5; plus strand). Cytogenetic location: 3p25.3.
Variant type: single nucleotide variant.
Coding change: c.2908G>C on transcript NM_001080517.3 (MANE Select); coding-DNA position 2908, G replaced by C.
Protein change: p.Val970Leu; replaces valine 970 with leucine.
Molecular consequence: missense variant.
Genome position (GRCh38, 1-based): chr3:9,470,642, G>C. VCF-style: chr3-9470642-G-C. GRCh37 (hg19) VCF-style: chr3-9512326-G-C.
Other names: c.2614G>C, p.Val872Leu (NM_001292043.2, NM_001349451.2); c.3004G>C, p.Val1002Leu (NM_001437633.1); c.3022G>C, p.Val1008Leu (NM_001437635.1); c.2965G>C, p.Val989Leu (NM_001437643.1); c.2947G>C, p.Val983Leu (NM_001437701.1); short protein forms V1002L, V1008L, V872L, V970L, V983L, V989L.
Identifiers: ClinVar variation 4882132 (VCV004882132.2).